The following is an entry in ClinVar:

NM_016284.5(CNOT1):c.4267A>G (p.Ile1423Val)

Gene: CNOT1 (CCR4-NOT transcription complex subunit 1; minus strand). Cytogenetic location: 16q21.
Variant type: single nucleotide variant.
Coding change: c.4267A>G on transcript NM_016284.5 (MANE Select); coding-DNA position 4267, A replaced by G.
Protein change: p.Ile1423Val; replaces isoleucine 1423 with valine.
Molecular consequence: missense variant. On other transcripts: non-coding transcript variant (1).
Genome position (GRCh38, 1-based): chr16:58,543,774, T>C on the plus strand (A>G on the coding strand, the complement: CNOT1 is on the minus strand). VCF-style: chr16-58543774-T-C. GRCh37 (hg19) VCF-style: chr16-58577678-T-C.
Other names: c.4252A>G, p.Ile1418Val (NM_001265612.2); c.4267A>G, p.Ile1423Val (NM_206999.3); short protein forms I1418V, I1423V.
Identifiers: ClinVar variation 3572691 (VCV003572691.1).
Genomic context (GRCh38, chr16:58,543,774, plus strand): 5'-GATGAGCTGCTATTCGCATTCGAGATTCCTCCGAATCCAGGGCAAAATCCTTCCTGACTA[T>C]TTGCTCACAAGTAGTCATGGCAATCTTAATTGATCGATCCACCACAGGATGGACCAGCTC-3'
Protein context (NP_057368.3, residues 1413-1433): IKIAMTTCEQ[Ile1423Val]VRKDFALDSE

ClinVar aggregate classification (germline): Uncertain significance (1 of 4 stars; one submission).

Submission:

GeneDx
Classification: Uncertain significance. Last evaluated: 2024-07-10. Review status: criteria provided, single submitter. Criteria: GeneDx Variant Classification Process June 2021. Collection method: clinical testing. Allele origin: germline. Affected: yes.
Comment: Not observed at significant frequency in large population cohorts (gnomAD); In silico analysis indicates that this missense variant does not alter protein structure/function; Has not been previously published as pathogenic or benign to our knowledge